The following is an entry in ClinVar:

NM_002485.5(NBN):c.340G>C (p.Val114Leu)

Gene: NBN (nibrin; minus strand). Cytogenetic location: 8q21.3.
Variant type: single nucleotide variant.
Coding change: c.340G>C on transcript NM_002485.5 (MANE Select); coding-DNA position 340, G replaced by C.
Protein change: p.Val114Leu; replaces valine 114 with leucine.
Molecular consequence: missense variant.
Genome position (GRCh38, 1-based): chr8:89,980,874, C>G on the plus strand (G>C on the coding strand, the complement: NBN is on the minus strand). VCF-style: chr8-89980874-C-G. GRCh37 (hg19) VCF-style: chr8-90993102-C-G.
Other names: c.94G>C, p.Val32Leu (NM_001024688.3); short protein forms V114L, V32L.
Identifiers: ClinVar variation 1731166 (VCV001731166.2), dbSNP rs771034958, ClinGen allele CA371662126.

ClinVar aggregate classification (germline): Uncertain significance (1 of 4 stars; one submission).

Conditions:
Hereditary cancer-predisposing syndrome. Also called: Neoplastic Syndromes, Hereditary; Tumor predisposition; Hereditary Cancer Syndrome; Hereditary neoplastic syndrome. Identifiers: Orphanet 140162, MedGen C0027672, MeSH D009386, MONDO:0015356.

Submission:

Ambry Genetics
Classification: Uncertain significance for Hereditary cancer-predisposing syndrome. Last evaluated: 2017-05-30. Review status: criteria provided, single submitter. Criteria: Ambry Variant Classification Scheme 2023. Collection method: clinical testing. Allele origin: germline.
Comment: The p.V114L variant (also known as c.340G>C), located in coding exon 4 of the NBN gene, results from a G to C substitution at nucleotide position 340. The valine at codon 114 is replaced by leucine, an amino acid with highly similar properties. This amino acid position is highly conserved in available vertebrate species. In addition, the in silico prediction for this alteration is inconclusive. Since supporting evidence is limited at this time, the clinical significance of this alteration remains unclear.